The following is an entry in ClinVar:

NM_203447.4(DOCK8):c.3000C>A (p.Asn1000Lys)

Gene: DOCK8 (dedicator of cytokinesis 8; plus strand). Cytogenetic location: 9p24.3.
Variant type: single nucleotide variant.
Coding change: c.3000C>A on transcript NM_203447.4 (MANE Select); coding-DNA position 3000, C replaced by A.
Protein change: p.Asn1000Lys; replaces asparagine 1000 with lysine.
Molecular consequence: missense variant.
Genome position (GRCh38, 1-based): chr9:396,814, C>A. VCF-style: chr9-396814-C-A. GRCh37 (hg19) VCF-style: chr9-396814-C-A.
Other names: c.2700C>A, p.Asn900Lys (NM_001190458.2); c.2796C>A, p.Asn932Lys (NM_001193536.2); short protein forms N1000K, N900K, N932K.
Identifiers: ClinVar variation 1009096 (VCV001009096.8), dbSNP rs1005509613, ClinGen allele CA187756056.

ClinVar aggregate classification (germline): Uncertain significance (1 of 4 stars; one submission).

Allele frequency attached by ClinVar (database versions not stated): gnomAD exomes 0.00001.
gnomAD v4.1: 3 of 1,614,148 alleles (0.00019%); highest among the groups gnomAD compares: Middle Eastern, 0.049%; no homozygotes.

Submission:

Labcorp Genetics (formerly Invitae), Labcorp
Classification: Uncertain significance for Combined immunodeficiency due to DOCK8 deficiency. Last evaluated: 2023-12-07. Review status: criteria provided, single submitter. Criteria: Invitae Variant Classification Sherloc (09022015). Collection method: clinical testing. Allele origin: germline.
Comment: This sequence change replaces asparagine, which is neutral and polar, with lysine, which is basic and polar, at codon 1000 of the DOCK8 protein (p.Asn1000Lys). This variant is not present in population databases (gnomAD no frequency). This variant has not been reported in the literature in individuals affected with DOCK8-related conditions. ClinVar contains an entry for this variant (Variation ID: 1009096). Advanced modeling of protein sequence and biophysical properties (such as structural, functional, and spatial information, amino acid conservation, physicochemical variation, residue mobility, and thermodynamic stability) performed at Invitae indicates that this missense variant is not expected to disrupt DOCK8 protein function with a negative predictive value of 80%. In summary, the available evidence is currently insufficient to determine the role of this variant in disease. Therefore, it has been classified as a Variant of Uncertain Significance.